The following is an entry in ClinVar:

NM_144670.6(A2ML1):c.4234A>T (p.Thr1412Ser)

Gene: A2ML1 (alpha-2-macroglobulin like 1; plus strand). Cytogenetic location: 12p13.31.
Variant type: single nucleotide variant.
Coding change: c.4234A>T on transcript NM_144670.6 (MANE Select); coding-DNA position 4234, A replaced by T.
Protein change: p.Thr1412Ser; replaces threonine 1412 with serine.
Molecular consequence: missense variant.
Genome position (GRCh38, 1-based): chr12:8,874,437, A>T. VCF-style: chr12-8874437-A-T. GRCh37 (hg19) VCF-style: chr12-9027033-A-T.
Other names: c.2761A>T, p.Thr921Ser (NM_001282424.3); short protein forms T1412S, T921S.
Identifiers: ClinVar variation 1738932 (VCV001738932.2), dbSNP rs7315591, ClinGen allele CA232637557.

ClinVar aggregate classification (germline): Uncertain significance (1 of 4 stars; one submission).

gnomAD v4.1: 3 of 1,613,802 alleles (0.00019%); highest among the groups gnomAD compares: Non-Finnish European, 0.00025%; no homozygotes.

Submission:

Ambry Genetics
Classification: Uncertain significance. Last evaluated: 2022-10-30. Review status: criteria provided, single submitter. Criteria: Ambry Variant Classification Scheme 2023. Collection method: clinical testing. Allele origin: germline.
Comment: The p.T1412S variant (also known as c.4234A>T), located in coding exon 34 of the A2ML1 gene, results from an A to T substitution at nucleotide position 4234. The threonine at codon 1412 is replaced by serine, an amino acid with similar properties. This amino acid position is conserved. In addition, this alteration is predicted to be tolerated by in silico analysis. Since supporting evidence is limited at this time, the clinical significance of this alteration remains unclear.